The following is an entry in ClinVar:

NM_000222.3(KIT):c.2260C>T (p.Pro754Ser)

Gene: KIT (KIT proto-oncogene, receptor tyrosine kinase; plus strand). Cytogenetic location: 4q12.
Variant type: single nucleotide variant.
Coding change: c.2260C>T on transcript NM_000222.3 (MANE Select); coding-DNA position 2260, C replaced by T.
Protein change: p.Pro754Ser; replaces proline 754 with serine.
Molecular consequence: missense variant.
Genome position (GRCh38, 1-based): chr4:54,731,897, C>T. VCF-style: chr4-54731897-C-T. GRCh37 (hg19) VCF-style: chr4-55598063-C-T.
Other names: c.2248C>T, p.Pro750Ser (NM_001093772.2, NM_001385292.1); c.2263C>T, p.Pro755Ser (NM_001385284.1); c.2257C>T, p.Pro753Ser (NM_001385285.1); c.2245C>T, p.Pro749Ser (NM_001385286.1); c.2251C>T, p.Pro751Ser (NM_001385288.1); c.2260C>T, p.Pro754Ser (NM_001385290.1); short protein forms P754S, P750S, P749S, P751S, P753S, P755S.
Identifiers: ClinVar variation 528529 (VCV000528529.10), dbSNP rs1553892672, ClinGen allele CA356910871.

ClinVar aggregate classification (germline): Uncertain significance. Review status: criteria provided, multiple submitters, no conflicts (2 of 4 stars). 2 submissions from 2 submitters: Uncertain significance (2). Last evaluated 2025-06-23.

Conditions:
Hereditary cancer-predisposing syndrome. Also called: Tumor predisposition; Hereditary neoplastic syndrome; Hereditary Cancer Syndrome; Neoplastic Syndromes, Hereditary. Identifiers: Orphanet 140162, MedGen C0027672, MeSH D009386, MONDO:0015356.
Gastrointestinal stromal tumor. Also called: Gastrointestinal stroma tumor; Gastrointestinal stromal tumor, somatic. Identifiers: Orphanet 44890, MedGen C0238198, MeSH D046152, MONDO:0011719, OMIM 606764, HP:0100723.

Allele frequency attached by ClinVar (database versions not stated): gnomAD exomes below 0.00001.

Submissions (2):

Ambry Genetics
Classification: Uncertain significance for Hereditary cancer-predisposing syndrome. Last evaluated: 2025-06-23. Review status: criteria provided, single submitter. Criteria: Ambry Variant Classification Scheme 2023. Collection method: clinical testing. Allele origin: germline.
Comment: The p.P754S variant (also known as c.2260C>T), located in coding exon 16 of the KIT gene, results from a C to T substitution at nucleotide position 2260. The proline at codon 754 is replaced by serine, an amino acid with similar properties. This amino acid position is conserved. In addition, this alteration is predicted to be tolerated by in silico analysis. Based on the available evidence, the clinical significance of this variant remains unclear.

Labcorp Genetics (formerly Invitae), Labcorp
Classification: Uncertain significance for Gastrointestinal stromal tumor. Last evaluated: 2024-12-04. Review status: criteria provided, single submitter. Criteria: Invitae Variant Classification Sherloc (09022015). Collection method: clinical testing. Allele origin: germline.
Comment: This sequence change replaces proline, which is neutral and non-polar, with serine, which is neutral and polar, at codon 754 of the KIT protein (p.Pro754Ser). This variant is not present in population databases (gnomAD no frequency). This variant has not been reported in the literature in individuals affected with KIT-related conditions. ClinVar contains an entry for this variant (Variation ID: 528529). An algorithm developed to predict the effect of missense changes on protein structure and function (PolyPhen-2) suggests that this variant is likely to be tolerated. In summary, the available evidence is currently insufficient to determine the role of this variant in disease. Therefore, it has been classified as a Variant of Uncertain Significance.